The following is an entry in ClinVar:

ClinVar aggregate classification (germline): Pathogenic. Review status: criteria provided, multiple submitters, no conflicts (2 of 4 stars). 4 submissions from 4 submitters: Pathogenic (4). Last evaluated 2025-04-24.

Conditions:
Neurofibromatosis, type 1 (NF1). Also called: VON RECKLINGHAUSEN DISEASE; NEUROFIBROMATOSIS, TYPE I, SOMATIC; Peripheral type neurofibromatosis; Neurofibromatosis, type I. Identifiers: Orphanet 636, MedGen C0027831, MONDO:0018975, OMIM 162200. Disease mechanism: loss of function.

Submissions (4):

Women's Health and Genetics/Laboratory Corporation of America, LabCorp
Classification: Pathogenic for Neurofibromatosis, type 1. Last evaluated: 2025-04-24. Review status: criteria provided, single submitter. Criteria: LabCorp Variant Classification Summary - May 2015. Collection method: clinical testing. Allele origin: germline.
Comment: Variant summary: NF1 c.4829delT (p.Leu1610X) results in a premature termination codon, predicted to cause a truncation of the encoded protein or absence of the protein due to nonsense mediated decay, which are commonly known mechanisms for disease. The variant was absent in 251230 control chromosomes. c.4829delT has been observed in individual(s) affected with Neurofibromatosis Type 1 (example: Nemethova_2013). These data indicate that the variant may be associated with disease. The following publication has been ascertained in the context of this evaluation (PMID: 23758643). ClinVar contains an entry for this variant (Variation ID: 457725). Based on the evidence outlined above, the variant was classified as pathogenic.

Institute for Genomic Medicine (IGM) Clinical Laboratory, Nationwide Children's Hospital
Classification: Pathogenic for Neurofibromatosis, type 1. Last evaluated: 2024-11-05. Review status: criteria provided, single submitter. Criteria: ACMG Guidelines, 2015. Collection method: clinical testing. Allele origin: germline.
Comment: This variant is predicted to result in loss of function through nonsense-mediated decay of the encoded transcript or premature truncation of the encoded protein in a gene in which loss of function is a known mechanism of disease (ACMG/AMP: PVS1). This variant has been reported at an elevated frequency in affected individuals/in multiple affected individuals in the literature (ACMG/AMP: PS4_Supporting; PMID:23758643). This variant is absent from or present at an exceedingly low frequency in gnomAD, a large-scale control population database (ACMG/AMP: PM2).

Labcorp Genetics (formerly Invitae), Labcorp
Classification: Pathogenic for Neurofibromatosis, type 1. Last evaluated: 2024-08-19. Review status: criteria provided, single submitter. Criteria: Invitae Variant Classification Sherloc (09022015). Collection method: clinical testing. Allele origin: germline.
Comment: This sequence change creates a premature translational stop signal (p.Leu1610*) in the NF1 gene. It is expected to result in an absent or disrupted protein product. Loss-of-function variants in NF1 are known to be pathogenic (PMID: 10712197, 23913538). This variant is not present in population databases (gnomAD no frequency). This premature translational stop signal has been observed in individual(s) with neurofibromatosis type I (PMID: 23758643). ClinVar contains an entry for this variant (Variation ID: 457725). For these reasons, this variant has been classified as Pathogenic.

Institute of Medical Genetics and Applied Genomics, University Hospital Tübingen
Classification: Pathogenic for Neurofibromatosis, type 1. Last evaluated: 2022-12-07. Review status: criteria provided, single submitter. Criteria: ACMG Guidelines, 2015. Collection method: clinical testing. Allele origin: germline. Inheritance: Autosomal dominant inheritance. Affected: yes.

Literature cited by the submitters: PubMed 23758643 (cited by 3 submitters); PubMed 10712197 (cited by Labcorp Genetics (formerly Invitae), Labcorp); PubMed 23913538 (cited by Labcorp Genetics (formerly Invitae), Labcorp).

NM_001042492.3(NF1):c.4892del (p.Thr1630_Leu1631insTer)

Gene: NF1 (neurofibromin 1; plus strand). Cytogenetic location: 17q11.2.
Variant type: Deletion.
Coding change: c.4892del on transcript NM_001042492.3 (MANE Select); coding-DNA position 4892, one base deleted (T; older notation c.4892delT).
Protein change: p.Thr1630_Leu1631insTer.
Molecular consequence: nonsense. On other transcripts: frameshift variant (1).
Genome position (GRCh38, 1-based): chr17:31,325,876, T deleted; the last of 3 consecutive T bases (chr17:31,325,874-31,325,876); deleting any one gives the same sequence. VCF-style (leftmost placement, unchanged base first): chr17-31325873-CT-C. GRCh37 (hg19) VCF-style: chr17-29652891-CT-C.
Other names: c.4829delT (NM_000267.3); c.4829delT, p.Leu1610Terfs (NM_000267.4).
Identifiers: ClinVar variation 457725 (VCV000457725.11), dbSNP rs1555533290, ClinGen allele CA658658544.